The following is an entry in ClinVar:

NM_000182.5(HADHA):c.479_482delinsAATA (p.Ile160_Ala161delinsLysTer)

Gene: HADHA (hydroxyacyl-CoA dehydrogenase trifunctional multienzyme complex subunit alpha; minus strand). Cytogenetic location: 2p23.3.
Variant type: Indel.
Coding change: c.479_482delinsAATA on transcript NM_000182.5 (MANE Select); coding-DNA positions 479 to 482, TAGC replaced by AATA.
Protein change: p.Ile160_Ala161delinsLysTer.
Molecular consequence: nonsense.
Genome position (GRCh38, 1-based): chr2:26,232,251-26,232,254, GCTA replaced by TATT on the plus strand (TAGC replaced by AATA on the coding strand, the reverse complement: HADHA is on the minus strand). VCF-style: chr2-26232251-GCTA-TATT. GRCh37 (hg19) VCF-style: chr2-26455119-GCTA-TATT.
Identifiers: ClinVar variation 3751788 (VCV003751788.2).

ClinVar aggregate classification (germline): Pathogenic (1 of 4 stars; one submission).

Conditions:
Long chain 3-hydroxyacyl-CoA dehydrogenase deficiency. Also called: Deficiency of long-chain 3-hydroxyacyl-coenzyme A dehydrogenase; LCHAD Deficiency. Identifiers: Orphanet 5, MedGen C3711645, MONDO:0012173, OMIM 609016.
Mitochondrial trifunctional protein deficiency. Identifiers: Orphanet 746, MedGen C1969443, MONDO:0012172.

Submission:

Labcorp Genetics (formerly Invitae), Labcorp
Classification: Pathogenic for Mitochondrial trifunctional protein deficiency; Long chain 3-hydroxyacyl-CoA dehydrogenase deficiency. Last evaluated: 2024-06-06. Review status: criteria provided, single submitter. Criteria: Invitae Variant Classification Sherloc (09022015). Collection method: clinical testing. Allele origin: germline.
Comment: This sequence change creates a premature translational stop signal (p.Ile160_Ala161delinsLys*) in the HADHA gene. It is expected to result in an absent or disrupted protein product. Loss-of-function variants in HADHA are known to be pathogenic (PMID: 7738175, 21103935, 21549624, 22459206). Information on the frequency of this variant in the gnomAD database is not available, as this variant may be reported differently in the database. This variant has not been reported in the literature in individuals affected with HADHA-related conditions. For these reasons, this variant has been classified as Pathogenic.

Literature cited by the submitters: PubMed 7738175; PubMed 21103935; PubMed 21549624; PubMed 22459206.